The following is an entry in ClinVar:

ClinVar aggregate classification (germline): Likely pathogenic (1 of 4 stars; one submission).

Submission:

Labcorp Genetics (formerly Invitae), Labcorp
Classification: Likely pathogenic. Last evaluated: 2023-07-10. Review status: criteria provided, single submitter. Criteria: Invitae Variant Classification Sherloc (09022015). Collection method: clinical testing. Allele origin: germline.
Comment: Algorithms developed to predict the effect of sequence changes on RNA splicing suggest that this variant may disrupt the consensus splice site. ClinVar contains an entry for this variant (Variation ID: 646141). This variant has not been reported in the literature in individuals affected with COL7A1-related conditions. This variant is not present in population databases (gnomAD no frequency). This sequence change affects an acceptor splice site in intron 68 of the COL7A1 gene. It is expected to disrupt RNA splicing. Variants that disrupt the donor or acceptor splice site typically lead to a loss of protein function (PMID: 16199547), and loss-of-function variants in COL7A1 are known to be pathogenic (PMID: 16971478). In summary, the currently available evidence indicates that the variant is pathogenic, but additional data are needed to prove that conclusively. Therefore, this variant has been classified as Likely Pathogenic.

Literature cited by the submitters: PubMed 16199547; PubMed 16971478.

NM_000094.4(COL7A1):c.5737-1G>A

Gene: COL7A1 (collagen type VII alpha 1 chain; minus strand). Cytogenetic location: 3p21.31.
Variant type: single nucleotide variant.
Coding change: c.5737-1G>A on transcript NM_000094.4 (MANE Select); the canonical splice acceptor site of the intron before coding-DNA position 5737, G replaced by A.
Molecular consequence: splice acceptor variant.
Genome position (GRCh38, 1-based): chr3:48,576,436, C>T on the plus strand (G>A on the coding strand, the complement: COL7A1 is on the minus strand). VCF-style: chr3-48576436-C-T. GRCh37 (hg19) VCF-style: chr3-48613869-C-T.
Identifiers: ClinVar variation 646141 (VCV000646141.6), dbSNP rs1575442885, ClinGen allele CA352666722.
Genomic context (GRCh38, chr3:48,576,436, plus strand): 5'-ATGTGGAAAAGGTGGGGGCCTCACCTGCTCCCCTTTGGATCCAGTCTCCCCACGGTCACC[C>T]TGAAAACAAGAATGACCAGGTGGGGAAATGGCCCCCAGCCTGGTCAGCCCCCTCACCACG-3'